The following is an entry in ClinVar:

ClinVar aggregate classification (germline): Uncertain significance. Review status: criteria provided, multiple submitters, no conflicts (2 of 4 stars). 2 submissions from 2 submitters: Uncertain significance (2). Last evaluated 2023-01-26.

Conditions:
Epidermolysis bullosa simplex 5C, with pyloric atresia (EBS5C). Also called: PLEC1-Related Epidermolysis Bullosa with Pyloric Atresia; Epidermolysis bullosa simplex with pyloric atresia; PLEC-Related Epidermolysis Bullosa with Pyloric Atresia. Identifiers: Orphanet 158684, MedGen C2677349, MONDO:0012807, OMIM 612138.
Autosomal recessive limb-girdle muscular dystrophy type 2Q (LGMDR17). Also called: MUSCULAR DYSTROPHY, LIMB-GIRDLE, AUTOSOMAL RECESSIVE 17. Identifiers: Orphanet 254361, MedGen C3150989, MONDO:0013390, OMIM 613723.
Epidermolysis bullosa simplex with nail dystrophy (EBS5D). Identifiers: MedGen C4225309, MONDO:0014661, OMIM 616487.
Epidermolysis bullosa simplex 5B, with muscular dystrophy (EBS5B). Also called: Epidermolysis bullosa simplex with muscular dystrophy; EPIDERMOLYSIS BULLOSA SIMPLEX AND LIMB-GIRDLE MUSCULAR DYSTROPHY. Identifiers: Orphanet 257, MedGen C2931072, MONDO:0009181, OMIM 226670.
Epidermolysis bullosa simplex, Ogna type (EBS5A). Also called: EPIDERMOLYSIS BULLOSA SIMPLEX 5A, OGNA TYPE; Pidermolysis bullosa simplex 5A, Ogna type. Identifiers: Orphanet 79401, MedGen C0432317, MONDO:0007555, OMIM 131950.
Inborn genetic diseases. Identifiers: MedGen C0950123, MeSH D030342.

Allele frequency attached by ClinVar (database versions not stated): gnomAD exomes 0.00001; TOPMed 0.00001; ExAC 0.00003.
gnomAD v4.1: 14 of 1,552,684 alleles (0.0009%); highest among the groups gnomAD compares: South Asian, 0.0023%; no homozygotes.

Submissions (2):

Ambry Genetics
Classification: Uncertain significance for Inborn genetic diseases. Last evaluated: 2023-01-26. Review status: criteria provided, single submitter. Criteria: Ambry Variant Classification Scheme 2023. Collection method: clinical testing. Allele origin: germline.

Labcorp Genetics (formerly Invitae), Labcorp
Classification: Uncertain significance for Autosomal recessive limb-girdle muscular dystrophy type 2Q; Epidermolysis bullosa simplex, Ogna type; Epidermolysis bullosa simplex with nail dystrophy; Epidermolysis bullosa simplex 5C, with pyloric atresia; Epidermolysis bullosa simplex 5B, with muscular dystrophy. Last evaluated: 2022-06-20. Review status: criteria provided, single submitter. Criteria: Invitae Variant Classification Sherloc (09022015). Collection method: clinical testing. Allele origin: germline.
Comment: This sequence change replaces alanine, which is neutral and non-polar, with valine, which is neutral and non-polar, at codon 2112 of the PLEC protein (p.Ala2112Val). The frequency data for this variant in the population databases is considered unreliable, as metrics indicate poor data quality at this position in the gnomAD database. This variant has not been reported in the literature in individuals affected with PLEC-related conditions. ClinVar contains an entry for this variant (Variation ID: 840351). Algorithms developed to predict the effect of missense changes on protein structure and function (SIFT, PolyPhen-2, Align-GVGD) all suggest that this variant is likely to be tolerated. Algorithms developed to predict the effect of sequence changes on RNA splicing suggest that this variant may create or strengthen a splice site. In summary, the available evidence is currently insufficient to determine the role of this variant in disease. Therefore, it has been classified as a Variant of Uncertain Significance.

NM_201384.3(PLEC):c.6254C>T (p.Ala2085Val)

Gene: PLEC (plectin; minus strand). Cytogenetic location: 8q24.3.
Variant type: single nucleotide variant.
Coding change: c.6254C>T on transcript NM_201384.3 (MANE Select); coding-DNA position 6254, C replaced by T.
Protein change: p.Ala2085Val; replaces alanine 2085 with valine.
Molecular consequence: missense variant.
Genome position (GRCh38, 1-based): chr8:143,923,675, G>A on the plus strand (C>T on the coding strand, the complement: PLEC is on the minus strand). VCF-style: chr8-143923675-G-A. GRCh37 (hg19) VCF-style: chr8-144997843-G-A.
Other names: c.6335C>T, p.Ala2112Val (NM_000445.5); c.6212C>T, p.Ala2071Val (NM_201378.4); c.6188C>T, p.Ala2063Val (NM_201379.3); c.6665C>T, p.Ala2222Val (NM_201380.4); c.6158C>T, p.Ala2053Val (NM_201381.3); c.6254C>T, p.Ala2085Val (NM_201382.4); c.6266C>T, p.Ala2089Val (NM_201383.3); c.6335C>T (NM_000445.3); short protein forms A2063V, A2085V, A2112V, A2089V, A2053V, A2222V, A2071V.
Identifiers: ClinVar variation 840351 (VCV000840351.5), dbSNP rs782165311, ClinGen allele CA4926066.